The following is an entry in ClinVar:

ClinVar aggregate classification (germline): Uncertain significance (1 of 4 stars; one submission).

Submission:

Labcorp Genetics (formerly Invitae), Labcorp
Classification: Uncertain significance. Last evaluated: 2022-09-07. Review status: criteria provided, single submitter. Criteria: Invitae Variant Classification Sherloc (09022015). Collection method: clinical testing. Allele origin: germline.
Comment: In summary, the available evidence is currently insufficient to determine the role of this variant in disease. Therefore, it has been classified as a Variant of Uncertain Significance. Algorithms developed to predict the effect of missense changes on protein structure and function are either unavailable or do not agree on the potential impact of this missense change (SIFT: "Deleterious"; PolyPhen-2: "Benign"; Align-GVGD: "Class C0"). ClinVar contains an entry for this variant (Variation ID: 1490273). This variant has not been reported in the literature in individuals affected with TYRP1-related conditions. This variant is not present in population databases (gnomAD no frequency). This sequence change replaces leucine, which is neutral and non-polar, with arginine, which is basic and polar, at codon 529 of the TYRP1 protein (p.Leu529Arg).

NM_000550.3(TYRP1):c.1586T>G (p.Leu529Arg)

Genes: LURAP1L-AS1 (LURAP1L antisense RNA 1; minus strand), TYRP1 (tyrosinase related protein 1; plus strand). Cytogenetic location: 9p23.
Variant type: single nucleotide variant.
Coding change: c.1586T>G on transcript NM_000550.3 (MANE Select); coding-DNA position 1586, T replaced by G.
Protein change: p.Leu529Arg; replaces leucine 529 with arginine.
Molecular consequence: missense variant.
Genome position (GRCh38, 1-based): chr9:12,709,154, T>G. VCF-style: chr9-12709154-T-G. GRCh37 (hg19) VCF-style: chr9-12709154-T-G.
Other names: short protein forms L529R.
Identifiers: ClinVar variation 1490273 (VCV001490273.8), dbSNP rs1818313614, ClinGen allele CA372932711.